The following is an entry in ClinVar:

NM_020774.4(MIB1):c.918C>G (p.Phe306Leu)

Gene: MIB1 (MIB E3 ubiquitin protein ligase 1; plus strand). Cytogenetic location: 18q11.2.
Variant type: single nucleotide variant.
Coding change: c.918C>G on transcript NM_020774.4 (MANE Select); coding-DNA position 918, C replaced by G.
Protein change: p.Phe306Leu; replaces phenylalanine 306 with leucine.
Molecular consequence: missense variant.
Genome position (GRCh38, 1-based): chr18:21,791,383, C>G. VCF-style: chr18-21791383-C-G. GRCh37 (hg19) VCF-style: chr18-19371344-C-G.
Other names: short protein forms F306L.
Identifiers: ClinVar variation 1766100 (VCV001766100.2), dbSNP rs1389735407, ClinGen allele CA401748185.
Genomic context (GRCh38, chr18:21,791,383, plus strand): 5'-ATTAAAATTAAGCAAAGCTACCCATTTTGAGGTTTAGCTTTGCTCTTGTAGGTGGACCTT[C>G]AATCCTGCTGTTCTCACTAAAGCGAACATTGTCCGAAGTGGAGATGCTGCTCAGGGTGCA-3'
Protein context (NP_065825.1, residues 296-316): VQYPSGNRWT[Phe306Leu]NPAVLTKANI

ClinVar aggregate classification (germline): Uncertain significance (1 of 4 stars; one submission).

Conditions:
Inborn genetic diseases. Identifiers: MedGen C0950123, MeSH D030342.

Allele frequency attached by ClinVar (database versions not stated): gnomAD exomes below 0.00001; TOPMed 0.00001.
gnomAD v4.1: 1 of 1,607,258 alleles (0.000062%); highest among the groups gnomAD compares: African/African-American, 0.0013%; no homozygotes.

Submission:

Ambry Genetics
Classification: Uncertain significance for Inborn genetic diseases. Last evaluated: 2021-12-16. Review status: criteria provided, single submitter. Criteria: Ambry Variant Classification Scheme 2023. Collection method: clinical testing. Allele origin: germline.
Comment: The p.F306L variant (also known as c.918C>G), located in coding exon 7 of the MIB1 gene, results from a C to G substitution at nucleotide position 918. The phenylalanine at codon 306 is replaced by leucine, an amino acid with highly similar properties. This amino acid position is conserved. In addition, the in silico prediction for this alteration is inconclusive. Since supporting evidence is limited at this time, the clinical significance of this alteration remains unclear.